The following is an entry in ClinVar:

NM_205861.3(DHDDS):c.876C>G (p.Ala292=)

Gene: DHDDS (dehydrodolichyl diphosphate synthase subunit; plus strand). Cytogenetic location: 1p36.11.
Variant type: single nucleotide variant.
Coding change: c.876C>G on transcript NM_205861.3 (MANE Select); coding-DNA position 876, C replaced by G.
Protein change: p.Ala292=; no amino-acid change (alanine 292 retained).
Molecular consequence: synonymous variant.
Genome position (GRCh38, 1-based): chr1:26,469,005, C>G. VCF-style: chr1-26469005-C-G. GRCh37 (hg19) VCF-style: chr1-26795496-C-G.
Other names: c.774C>G, p.Ala258= (NM_001243564.2); c.759C>G, p.Ala253= (NM_001243565.2); c.597C>G, p.Ala199= (NM_001319959.2); c.879C>G, p.Ala293= (NM_024887.4); c.879C>G (NM_024887.3).
Identifiers: ClinVar variation 2036066 (VCV002036066.5), dbSNP rs2524816071, ClinGen allele CA416967354.

ClinVar aggregate classification (germline): Likely benign. Review status: criteria provided, single submitter (1 of 4 stars). 2 submissions from 2 submitters: Likely benign (1). 1 of the submissions does not count toward it. Last evaluated 2022-10-19.

Conditions:
DHDDS-related disorder. Also called: DHDDS-related condition.
Retinitis pigmentosa 59 (RP59). Identifiers: Orphanet 791, MedGen C3151227, MONDO:0013468, OMIM 613861.

Submissions (2):

Labcorp Genetics (formerly Invitae), Labcorp
Classification: Likely benign for Retinitis pigmentosa 59. Last evaluated: 2022-10-19. Review status: criteria provided, single submitter. Criteria: Invitae Variant Classification Sherloc (09022015). Collection method: clinical testing. Allele origin: germline.

PreventionGenetics, part of Exact Sciences
Classification: Likely benign for DHDDS-related condition. Last evaluated: 2024-07-18. Review status: no assertion criteria provided. Collection method: clinical testing. Allele origin: germline. Not counted in ClinVar's aggregate classification.
Comment: This variant is classified as likely benign based on ACMG/AMP sequence variant interpretation guidelines (Richards et al. 2015 PMID: 25741868, with internal and published modifications).